The following is an entry in ClinVar:

ClinVar aggregate classification (germline): Likely benign. Review status: criteria provided, multiple submitters, no conflicts (2 of 4 stars). 3 submissions from 3 submitters: Likely benign (3). Last evaluated 2025-04-25.

Submissions (3):

ARUP Laboratories, Molecular Genetics and Genomics, ARUP Laboratories
Classification: Likely benign. Last evaluated: 2025-04-25. Review status: criteria provided, single submitter. Criteria: ARUP Molecular Germline Variant Investigation Process 2024. Collection method: clinical testing. Allele origin: germline.

Labcorp Genetics (formerly Invitae), Labcorp
Classification: Likely benign. Last evaluated: 2024-01-04. Review status: criteria provided, single submitter. Criteria: Invitae Variant Classification Sherloc (09022015). Collection method: clinical testing. Allele origin: germline.

CeGaT Center for Human Genetics Tuebingen
Classification: Likely benign. Last evaluated: 2023-10-01. Review status: criteria provided, single submitter. Criteria: CeGaT Center For Human Genetics Tuebingen Variant Classification Criteria Version 2. Collection method: clinical testing. Allele origin: germline. Affected: yes. Observed: 1 variant allele.
Comment: SETBP1: BP4, BP7

NM_015559.3(SETBP1):c.4575A>C (p.Pro1525=)

Gene: SETBP1 (SET binding protein 1; plus strand). Cytogenetic location: 18q12.3.
Variant type: single nucleotide variant.
Coding change: c.4575A>C on transcript NM_015559.3 (MANE Select); coding-DNA position 4575, A replaced by C.
Protein change: p.Pro1525=; no amino-acid change (proline 1525 retained).
Molecular consequence: synonymous variant.
Genome position (GRCh38, 1-based): chr18:45,063,482, A>C. VCF-style: chr18-45063482-A-C. GRCh37 (hg19) VCF-style: chr18-42643447-A-C.
Other names: c.4404A>C, p.Pro1468= (NM_001410862.1); c.4575A>C, p.Pro1525= (NM_001379141.1, NM_001379142.1).
Identifiers: ClinVar variation 2648695 (VCV002648695.29), dbSNP rs952012942, ClinGen allele CA299946232.
Genomic context (GRCh38, chr18:45,063,482, plus strand): 5'-CATGGCCACCATCGAGGCGGTCATCCACATGGCCCGGGAGGCGCCGCCCCTGCCCCCGCC[A>C]CCGCCGCCGCCCCTGCCGCCACCGCCGCCACCACCCCTGCCCCCGCCACCCCCTCTACCC-3'
Protein context (NP_056374.2, residues 1515-1535): MAREAPPLPP[Pro1525=]PPPPLPPPPP